The following is an entry in ClinVar:

NM_007294.4(BRCA1):c.3714T>C (p.Pro1238=)

Genes: BRCA1 (BRCA1 DNA repair associated; minus strand), LOC126862571 (BRD4-independent group 4 enhancer GRCh37_chr17:41243136-41244335; plus strand). Cytogenetic location: 17q21.31.
Variant type: single nucleotide variant.
Coding change: c.3714T>C on transcript NM_007294.4 (MANE Select); coding-DNA position 3714, T replaced by C.
Protein change: p.Pro1238=; no amino-acid change (proline 1238 retained).
Molecular consequence: synonymous variant. On other transcripts: intron variant (135).
Genome position (GRCh38, 1-based): chr17:43,091,817, A>G on the plus strand (T>C on the coding strand, the complement: BRCA1 is on the minus strand). VCF-style: chr17-43091817-A-G. GRCh37 (hg19) VCF-style: chr17-41243834-A-G.
Other names: c.3573T>C, p.Pro1191= (NM_001407737.1, NM_001407738.1, NM_001407739.1 and 29 more transcripts); c.3570T>C, p.Pro1190= (NM_001407740.1, NM_001407741.1, NM_001407742.1 and 20 more transcripts); c.3501T>C, p.Pro1167= (NM_001407571.1, NM_001407853.1, NM_001407894.1 and 9 more transcripts); c.3714T>C, p.Pro1238= (NM_001407581.1, NM_001407582.1, NM_001407583.1 and 30 more transcripts); c.3711T>C, p.Pro1237= (NM_001407587.1, NM_001407590.1, NM_001407591.1 and 22 more transcripts); c.3513T>C, p.Pro1171= (NM_001407862.1); c.3591T>C, p.Pro1197= (NM_001407863.1, NM_001407648.1, NM_001407919.1 and 19 more transcripts); c.3510T>C, p.Pro1170= (NM_001407874.1, NM_001407875.1); and 41 more.
Identifiers: ClinVar variation 388418 (VCV000388418.6), dbSNP rs140777892, ClinGen allele CA16607264.

ClinVar aggregate classification (germline): Likely benign. Review status: reviewed by expert panel (3 of 4 stars). 3 submissions from 3 submitters: Likely benign (1). 2 of the submissions do not count toward it. Last evaluated 2017-06-29.

Conditions:
Breast-ovarian cancer, familial, susceptibility to, 1 (BROVCA1). Also called: BRCA1 Hereditary Breast and Ovarian Cancer; OVARIAN CANCER, SUSCEPTIBILITY TO. Identifiers: Orphanet 145, MedGen C2676676, MONDO:0011450, OMIM 604370. Disease mechanism: loss of function.
Hereditary breast ovarian cancer syndrome. Also called: Hereditary breast and ovarian cancer syndrome; Breast and ovarian cancer; Hereditary breast and ovarian cancer syndrome (HBOC); Hereditary breast and/or ovarian cancer syndrome; BRCA1- and BRCA2-Associated Hereditary Breast and Ovarian Cancer; Hereditary breast and ovarian cancer. Identifiers: Orphanet 145, MedGen C0677776, MeSH D061325, MONDO:0003582. Disease mechanism: loss of function.

Allele frequency attached by ClinVar (database versions not stated): TOPMed below 0.00001; ESP Exome Variant Server 0.00008.

Submissions (3):

Evidence-based Network for the Interpretation of Germline Mutant Alleles (ENIGMA)
Classification: Likely benign for Breast-ovarian cancer, familial, susceptibility to, 1. Last evaluated: 2017-06-29. Review status: reviewed by expert panel. Criteria: ENIGMA BRCA1/2 Classification Criteria (2017-06-29). Collection method: curation. Allele origin: germline.
Comment: Synonymous substitution variant, with low bioinformatic likelihood to result in a splicing aberration (Splicing prior probability 0.02).

Labcorp Genetics (formerly Invitae), Labcorp
Classification: Likely benign for Hereditary breast ovarian cancer syndrome. Last evaluated: 2024-03-16. Review status: criteria provided, single submitter. Criteria: Invitae Variant Classification Sherloc (09022015). Collection method: clinical testing. Allele origin: germline. Not counted in ClinVar's aggregate classification.

GeneDx
Classification: Likely benign. Last evaluated: 2016-08-03. Review status: criteria provided, single submitter. Criteria: GeneDx Variant Classification (06012015). Collection method: clinical testing. Allele origin: germline. Affected: yes. Not counted in ClinVar's aggregate classification.
Comment: This variant is considered likely benign or benign based on one or more of the following criteria: it is a conservative change, it occurs at a poorly conserved position in the protein, it is predicted to be benign by multiple in silico algorithms, and/or has population frequency not consistent with disease.